The following is an entry in ClinVar:

NM_007286.6(SYNPO):c.1009C>T (p.Pro337Ser)

Gene: SYNPO (synaptopodin; plus strand). Cytogenetic location: 5q33.1.
Variant type: single nucleotide variant.
Coding change: c.1009C>T on transcript NM_007286.6 (MANE Select); coding-DNA position 1009, C replaced by T.
Protein change: p.Pro337Ser; replaces proline 337 with serine.
Molecular consequence: missense variant.
Genome position (GRCh38, 1-based): chr5:150,649,284, C>T. VCF-style: chr5-150649284-C-T. GRCh37 (hg19) VCF-style: chr5-150028846-C-T.
Other names: c.1009C>T, p.Pro337Ser (NM_001109974.3); c.1741C>T, p.Pro581Ser (NM_001166208.2, NM_001166209.2); short protein forms P337S, P581S.
Identifiers: ClinVar variation 3452044 (VCV003452044.2).

ClinVar aggregate classification (germline): Uncertain significance. Review status: criteria provided, multiple submitters, no conflicts (2 of 4 stars). 2 submissions from 2 submitters: Uncertain significance (2). Last evaluated 2025-09-28.

gnomAD v4.1: 2 of 1,614,212 alleles (0.00012%); highest among the groups gnomAD compares: African/African-American, 0.0013%; no homozygotes.

Submissions (2):

Labcorp Genetics (formerly Invitae), Labcorp
Classification: Uncertain significance. Last evaluated: 2025-09-28. Review status: criteria provided, single submitter. Criteria: Invitae Variant Classification Sherloc (09022015). Collection method: clinical testing. Allele origin: germline.
Comment: This sequence change replaces proline, which is neutral and non-polar, with serine, which is neutral and polar, at codon 337 of the SYNPO protein (p.Pro337Ser). This variant is not present in population databases (gnomAD no frequency). This variant has not been reported in the literature in individuals affected with SYNPO-related conditions. ClinVar contains an entry for this variant (Variation ID: 3452044). An algorithm developed to predict the effect of missense changes on protein structure and function (PolyPhen-2) suggests that this variant is likely to be disruptive. In summary, the available evidence is currently insufficient to determine the role of this variant in disease. Therefore, it has been classified as a Variant of Uncertain Significance.

Ambry Genetics
Classification: Uncertain significance. Last evaluated: 2024-07-10. Review status: criteria provided, single submitter. Criteria: Ambry Variant Classification Scheme 2023. Collection method: clinical testing. Allele origin: germline.